The following is an entry in ClinVar:

ClinVar aggregate classification (germline): Benign. Review status: criteria provided, single submitter (1 of 4 stars). 2 submissions from 2 submitters: Benign (1). 1 of the submissions does not count toward it. Last evaluated 2018-08-18.

Conditions:
RAB11FIP5-related disorder. Also called: RAB11FIP5-related condition.

Allele frequency attached by ClinVar (database versions not stated): ExAC 0.00072; ESP Exome Variant Server 0.00115; TOPMed 0.00246; gnomAD 0.00188 and 0.00201; 1000 Genomes Project 0.00200; 1000 Genomes Project 30x 0.00219.
gnomAD v4.1: 919 of 1,613,724 alleles (0.057%); highest among the groups gnomAD compares: African/African-American, 0.57%; 4 homozygotes.

Submissions (3):

Labcorp Genetics (formerly Invitae), Labcorp
Classification: Benign. Last evaluated: 2018-08-18. Review status: criteria provided, single submitter. Criteria: Invitae Variant Classification Sherloc (09022015). Collection method: clinical testing. Allele origin: germline.

PreventionGenetics, part of Exact Sciences
Classification: Likely benign for RAB11FIP5-related condition. Last evaluated: 2019-04-10. Review status: no assertion criteria provided. Collection method: clinical testing. Allele origin: germline. Not counted in ClinVar's aggregate classification.
Comment: This variant is classified as likely benign based on ACMG/AMP sequence variant interpretation guidelines (Richards et al. 2015 PMID: 25741868, with internal and published modifications).

Dr. Peter K. Rogan Lab, Western University
No classification provided (evidence only). Condition: Uterine carcinosarcoma. Review status: no classification provided. Collection method: in vitro. Allele origin: not applicable. Functional consequence: retained intron. Not counted in ClinVar's aggregate classification.

NM_001371272.1(RAB11FIP5):c.1290G>A (p.Glu430=)

Gene: RAB11FIP5 (RAB11 family interacting protein 5; minus strand). Cytogenetic location: 2p13.2.
Variant type: single nucleotide variant.
Coding change: c.1290G>A on transcript NM_001371272.1 (MANE Select); coding-DNA position 1290, G replaced by A.
Protein change: p.Glu430=; no amino-acid change (glutamic acid 430 retained).
Molecular consequence: synonymous variant.
Genome position (GRCh38, 1-based): chr2:73,088,328, C>T on the plus strand (G>A on the coding strand, the complement: RAB11FIP5 is on the minus strand). VCF-style: chr2-73088328-C-T. GRCh37 (hg19) VCF-style: chr2-73315456-C-T.
Other names: NC_000002.11:g.73315456C>T; c.1290G>A, p.Glu430= (NM_015470.3).
Identifiers: ClinVar variation 748546 (VCV000748546.6), dbSNP rs140983118, ClinGen allele CA1710043.
Genomic context (GRCh38, chr2:73,088,328, plus strand): 5'-CTTCTCTGCCACAGCCTCAGAGGAGGCCACTATGGGTGTGGCAACCTGGACTGGCTTGCC[C>T]TCTGGTAGCCGGGCCCCCTCCTCCTCTCCAGGGTGGCTGGCCCCAGGGGCCAGGACTTTA-3'
Protein context (NP_001358201.1, residues 420-440): PGEEEGARLP[Glu430=]GKPVQVATPI